The following is an entry in ClinVar:

NM_006397.3(RNASEH2A):c.5A>G (p.Asp2Gly)

Genes: RNASEH2A (ribonuclease H2 subunit A; plus strand), LOC117038795 (CRISPRi-FlowFISH-validated PRDX2 regulatory element 4; plus strand). Cytogenetic location: 19p13.13.
Variant type: single nucleotide variant.
Coding change: c.5A>G on transcript NM_006397.3 (MANE Select); coding-DNA position 5, A replaced by G.
Protein change: p.Asp2Gly; replaces aspartic acid 2 with glycine.
Molecular consequence: missense variant.
Genome position (GRCh38, 1-based): chr19:12,806,678, A>G. VCF-style: chr19-12806678-A-G. GRCh37 (hg19) VCF-style: chr19-12917492-A-G.
Other names: short protein forms D2G.
Identifiers: ClinVar variation 1393434 (VCV001393434.5), dbSNP rs1489973272, ClinGen allele CA404262973.

ClinVar aggregate classification (germline): Uncertain significance (1 of 4 stars; one submission).

Conditions:
Aicardi-Goutieres syndrome 4. Identifiers: Orphanet 51, MedGen C1835912, MONDO:0012472, OMIM 610333.

Allele frequency attached by ClinVar (database versions not stated): gnomAD 0.00001; gnomAD exomes 0.00002.
gnomAD v4.1: 31 of 1,574,786 alleles (0.002%); highest among the groups gnomAD compares: Non-Finnish European, 0.0027%; no homozygotes.

Submission:

Labcorp Genetics (formerly Invitae), Labcorp
Classification: Uncertain significance for Aicardi-Goutieres syndrome 4. Last evaluated: 2021-08-24. Review status: criteria provided, single submitter. Criteria: Invitae Variant Classification Sherloc (09022015). Collection method: clinical testing. Allele origin: germline.
Comment: This sequence change replaces aspartic acid with glycine at codon 2 of the RNASEH2A protein (p.Asp2Gly). The aspartic acid residue is moderately conserved and there is a moderate physicochemical difference between aspartic acid and glycine. This variant is not present in population databases (ExAC no frequency). This variant has not been reported in the literature in individuals affected with RNASEH2A-related conditions. Algorithms developed to predict the effect of missense changes on protein structure and function are either unavailable or do not agree on the potential impact of this missense change (SIFT: "Tolerated"; PolyPhen-2: "Possibly Damaging"; Align-GVGD: "Class C0"). In summary, the available evidence is currently insufficient to determine the role of this variant in disease. Therefore, it has been classified as a Variant of Uncertain Significance.